The following is an entry in ClinVar:

NM_001378418.1(TCF20):c.3401G>C (p.Ser1134Thr)

Gene: TCF20 (transcription factor 20; minus strand). Cytogenetic location: 22q13.2.
Variant type: single nucleotide variant.
Coding change: c.3401G>C on transcript NM_001378418.1 (MANE Select); coding-DNA position 3401, G replaced by C.
Protein change: p.Ser1134Thr; replaces serine 1134 with threonine.
Molecular consequence: missense variant.
Genome position (GRCh38, 1-based): chr22:42,211,905, C>G on the plus strand (G>C on the coding strand, the complement: TCF20 is on the minus strand). VCF-style: chr22-42211905-C-G. GRCh37 (hg19) VCF-style: chr22-42607911-C-G.
Other names: c.3401G>C, p.Ser1134Thr (NM_005650.4, NM_181492.3); short protein forms S1134T.
Identifiers: ClinVar variation 1700358 (VCV001700358.4), dbSNP rs2147205823, ClinGen allele CA411786577.

ClinVar aggregate classification (germline): Uncertain significance (1 of 4 stars; one submission).

Submission:

GeneDx
Classification: Uncertain significance. Last evaluated: 2026-02-06. Review status: criteria provided, single submitter. Criteria: GeneDx Variant Classification Process June 2021. Collection method: clinical testing. Allele origin: germline. Affected: yes.
Comment: Not observed at significant frequency in large population cohorts (gnomAD); In silico analysis suggests that this missense variant does not alter protein structure/function; Has not been previously published as pathogenic or benign to our knowledge